The following is an entry in ClinVar:

ClinVar aggregate classification (germline): Uncertain significance (1 of 4 stars; one submission).

Conditions:
Methylcobalamin deficiency type cblE (HMAE). Also called: VITAMIN B12-RESPONSIVE HOMOCYSTINURIA, cblE TYPE; HOMOCYSTINURIA-MEGALOBLASTIC ANEMIA, cblE COMPLEMENTATION TYPE; HOMOCYSTINURIA-MEGALOBLASTIC ANEMIA, cblE TYPE. Identifiers: Orphanet 2169, Orphanet 622, MedGen C1856057, MONDO:0009354, OMIM 236270.

Allele frequency attached by ClinVar (database versions not stated): gnomAD exomes below 0.00001.

Submission:

Labcorp Genetics (formerly Invitae), Labcorp
Classification: Uncertain significance for Methylcobalamin deficiency type cblE. Last evaluated: 2022-07-01. Review status: criteria provided, single submitter. Criteria: Invitae Variant Classification Sherloc (09022015). Collection method: clinical testing. Allele origin: germline.
Comment: In summary, the available evidence is currently insufficient to determine the role of this variant in disease. Therefore, it has been classified as a Variant of Uncertain Significance. Algorithms developed to predict the effect of missense changes on protein structure and function (SIFT, PolyPhen-2, Align-GVGD) all suggest that this variant is likely to be tolerated. This variant has not been reported in the literature in individuals affected with MTRR-related conditions. This variant is present in population databases (no rsID available, gnomAD 0.007%). This sequence change replaces alanine, which is neutral and non-polar, with valine, which is neutral and non-polar, at codon 498 of the MTRR protein (p.Ala498Val).

NM_002454.3(MTRR):c.1493C>T (p.Ala498Val)

Gene: MTRR (5-methyltetrahydrofolate-homocysteine methyltransferase reductase; plus strand). Cytogenetic location: 5p15.31.
Variant type: single nucleotide variant.
Coding change: c.1493C>T on transcript NM_002454.3 (MANE Select); coding-DNA position 1493, C replaced by T.
Protein change: p.Ala498Val; replaces alanine 498 with valine.
Molecular consequence: missense variant. On other transcripts: non-coding transcript variant (14).
Genome position (GRCh38, 1-based): chr5:7,892,849, C>T. VCF-style: chr5-7892849-C-T. GRCh37 (hg19) VCF-style: chr5-7892962-C-T.
Other names: c.1493C>T, p.Ala498Val (NM_001364440.2, NM_001364441.2, NM_001364442.2 and 1 more transcripts); short protein forms A498V.
Identifiers: ClinVar variation 2185626 (VCV002185626.4), dbSNP rs1040395177, ClinGen allele CA113811851.